The following is an entry in ClinVar:

ClinVar aggregate classification (germline): Benign/Likely benign. Review status: criteria provided, multiple submitters, no conflicts (2 of 4 stars). 3 submissions from 3 submitters: Benign (1); Likely benign (2). Last evaluated 2026-01-19.

Conditions:
Supravalvar aortic stenosis (SVAS). Also called: Supravalvar aortic stenosis, Eisenberg type. Identifiers: Orphanet 3193, MedGen C0003499, MONDO:0008504, OMIM 185500, HP:0004381.

Allele frequency attached by ClinVar (database versions not stated): gnomAD exomes 0.00017 and 0.00073; gnomAD 0.00029 and 0.00032; TOPMed 0.00044; ExAC 0.00092; 1000 Genomes Project 30x 0.00172; 1000 Genomes Project 0.00180.
gnomAD v4.1: 413 of 1,604,490 alleles (0.026%); highest among the groups gnomAD compares: East Asian, 0.58%; 2 homozygotes.

Submissions (3):

Labcorp Genetics (formerly Invitae), Labcorp
Classification: Benign for Supravalvar aortic stenosis. Last evaluated: 2026-01-19. Review status: criteria provided, single submitter. Criteria: Invitae Variant Classification Sherloc (09022015). Collection method: clinical testing. Allele origin: germline.

Blueprint Genetics
Classification: Likely benign. Last evaluated: 2024-10-21. Review status: criteria provided, single submitter. Criteria: ACMG Guidelines, 2015. Collection method: clinical testing. Allele origin: germline.

GeneDx
Classification: Likely benign. Last evaluated: 2021-03-31. Review status: criteria provided, single submitter. Criteria: GeneDx Variant Classification Process June 2021. Collection method: clinical testing. Allele origin: germline. Affected: yes.
Comment: This variant is associated with the following publications: (PMID: 11735026)

NM_000501.4(ELN):c.1747+82C>A

Genes: ELN (elastin; plus strand), ELN-AS1 (ELN antisense RNA 1; minus strand). Cytogenetic location: 7q11.23.
Variant type: single nucleotide variant.
Coding change: c.1747+82C>A on transcript NM_000501.4 (MANE Select); 82 bases into the intron after coding-DNA position 1747, C replaced by A.
Molecular consequence: intron variant. On other transcripts: missense variant (1).
Genome position (GRCh38, 1-based): chr7:74,060,583, C>A. VCF-style: chr7-74060583-C-A. GRCh37 (hg19) VCF-style: chr7-73474913-C-A.
Other names: c.1916C>A, p.Thr639Asn (NM_001278939.2); c.1762+82C>A (NM_001081754.3); c.1705+82C>A (NM_001081753.3); c.1765+82C>A (NM_001278915.2); c.1747+82C>A (NM_001278912.2); c.1690+82C>A (NM_001081755.3); c.1603+82C>A (NM_001278916.2); c.1504+82C>A (NM_001278913.2); and 4 more; short protein forms T639N.
Identifiers: ClinVar variation 508761 (VCV000508761.15), dbSNP rs186744935, ClinGen allele CA4293189.